The following is an entry in ClinVar:

NM_000179.3(MSH6):c.394C>T (p.Gln132Ter)

Gene: MSH6 (mutS homolog 6; plus strand). Cytogenetic location: 2p16.3.
Variant type: single nucleotide variant.
Coding change: c.394C>T on transcript NM_000179.3 (MANE Select); coding-DNA position 394, C replaced by T.
Protein change: p.Gln132Ter; replaces glutamine 132 with a stop codon.
Molecular consequence: nonsense. On other transcripts: 5 prime UTR variant (2), intron variant (1).
Genome position (GRCh38, 1-based): chr2:47,791,060, C>T. VCF-style: chr2-47791060-C-T. GRCh37 (hg19) VCF-style: chr2-48018199-C-T.
Other names: c.-343C>T (NM_001281493.2); c.-509C>T (NM_001281494.2); c.238-7551C>T (NM_001281492.2); short protein forms Q132*.
Identifiers: ClinVar variation 576557 (VCV000576557.28), dbSNP rs587782101, ClinGen allele CA346737073.
Genomic context (GRCh38, chr2:47,791,060, plus strand): 5'-AACCACCCCTTTGATGGAACATTCATCCGCGAGAAAGGGAAATCAGTCCGTGTTCATGTA[C>T]AGTTTTTTGATGACAGCCCAACAAGGGGCTGGGTTAGCAAAAGGCTTTTAAAGCCATATA-3'

ClinVar aggregate classification (germline): Pathogenic. Review status: criteria provided, multiple submitters, no conflicts (2 of 4 stars). 3 submissions from 3 submitters: Pathogenic (2). 1 of the submissions does not count toward it. Last evaluated 2025-06-04.

Conditions:
Lynch syndrome 5 (LYNCH5). Also called: Colorectal cancer, hereditary nonpolyposis, type 5; Hereditary non-polyposis colorectal cancer, type 5. Identifiers: Orphanet 144, MedGen C1833477, MONDO:0013710, OMIM 614350. Disease mechanism: loss of function.
Hereditary cancer-predisposing syndrome. Also called: Tumor predisposition; Hereditary neoplastic syndrome; Hereditary Cancer Syndrome; Neoplastic Syndromes, Hereditary. Identifiers: Orphanet 140162, MedGen C0027672, MeSH D009386, MONDO:0015356.
Hereditary nonpolyposis colorectal neoplasms. Identifiers: MedGen C0009405, MeSH D003123.

gnomAD v4.1: 1 of 1,614,162 alleles (0.000062%); highest among the groups gnomAD compares: South Asian, 0.0011%; no homozygotes.

Submissions (3):

Ambry Genetics
Classification: Pathogenic for Hereditary cancer-predisposing syndrome. Last evaluated: 2025-06-04. Review status: criteria provided, single submitter. Criteria: Ambry Variant Classification Scheme 2023. Collection method: clinical testing. Allele origin: germline.
Comment: The p.Q132* pathogenic mutation (also known as c.394C>T), located in coding exon 2 of the MSH6 gene, results from a C to T substitution at nucleotide position 394. This changes the amino acid from a glutamine to a stop codon within coding exon 2. This variant is considered to be rare based on population cohorts in the Genome Aggregation Database (gnomAD). This alteration is expected to result in loss of function by premature protein truncation or nonsense-mediated mRNA decay. As such, this alteration is interpreted as a disease-causing mutation.

Labcorp Genetics (formerly Invitae), Labcorp
Classification: Pathogenic for Hereditary nonpolyposis colorectal neoplasms. Last evaluated: 2022-06-13. Review status: criteria provided, single submitter. Criteria: Invitae Variant Classification Sherloc (09022015). Collection method: clinical testing. Allele origin: germline.
Comment: This sequence change creates a premature translational stop signal (p.Gln132*) in the MSH6 gene. It is expected to result in an absent or disrupted protein product. Loss-of-function variants in MSH6 are known to be pathogenic (PMID: 18269114, 24362816). This variant is not present in population databases (gnomAD no frequency). This premature translational stop signal has been observed in individual(s) with MSH6-related conditions (PMID: 21520333). ClinVar contains an entry for this variant (Variation ID: 576557). For these reasons, this variant has been classified as Pathogenic.

deCODE genetics, Amgen
Classification: Likely pathogenic for Lynch syndrome 5. Last evaluated: 2023-07-21. Review status: no assertion criteria provided. Collection method: research. Allele origin: germline. Affected: yes. Observed: 1 variant allele. Not counted in ClinVar's aggregate classification.
Comment: The variant NM_000179.3:c.394C>T (chr2:47791060) in MSH6 was detected in 1 heterozygote out of 58K WGS Icelanders (MAF= 0,001%). This variant has been reported in ClinVar previously as pathogenic. Based on ACMG criteria (PVS1, PM2) this variant classifies as likely pathogenic.

Literature cited by the submitters: PubMed 18269114 (cited by Labcorp Genetics (formerly Invitae), Labcorp); PubMed 24362816 (cited by Labcorp Genetics (formerly Invitae), Labcorp); PubMed 21520333 (cited by Labcorp Genetics (formerly Invitae), Labcorp).